The following is an entry in ClinVar:

NM_001613.4(ACTA2):c.335del (p.Leu112fs)

Gene: ACTA2 (actin alpha 2, smooth muscle; minus strand). Cytogenetic location: 10q23.31.
Variant type: Deletion.
Coding change: c.335del on transcript NM_001613.4 (MANE Select); coding-DNA position 335, one base deleted (T; older notation c.335delT).
Protein change: p.Leu112fs; shifts the reading frame from leucine 112.
Molecular consequence: frameshift variant. On other transcripts: intron variant (1).
Genome position (GRCh38, 1-based): chr10:88,943,831, A deleted on the plus strand (T on the coding strand, the reverse complement: ACTA2 is on the minus strand). VCF-style (leftmost placement, unchanged base first): chr10-88943830-CA-C. GRCh37 (hg19) VCF-style: chr10-90703587-CA-C.
Other names: c.335del, p.Leu112fs (NM_001141945.3, NM_001320855.2, NM_001406462.1 and 3 more transcripts); c.206del, p.Leu69fs (NM_001406467.1, NM_001406468.1, NM_001406469.1); c.259-1962del (NM_001406466.1); c.335delT (NM_001613.4); short protein forms L112fs, L69fs.
Identifiers: ClinVar variation 4847495 (VCV004847495.1).

ClinVar aggregate classification (germline): Uncertain significance (1 of 4 stars; one submission).

Submission:

Women's Health and Genetics/Laboratory Corporation of America, LabCorp
Classification: Uncertain significance. Last evaluated: 2026-03-03. Review status: criteria provided, single submitter. Criteria: LabCorp Variant Classification Summary - May 2015. Collection method: clinical testing. Allele origin: germline.
Comment: Variant summary: ACTA2 c.335delT (p.Leu112ArgfsX10) results in a premature termination codon, predicted to cause a truncation of the encoded protein or absence of the protein due to nonsense mediated decay, however current evidence is not sufficient to establish loss of function as a mechanism for disease. The variant was absent in 251076 control chromosomes. The available data on variant occurrences in the general population are insufficient to allow any conclusion about variant significance. To our knowledge, no occurrence of c.335delT in individuals affected with ACTA2-related conditions and no experimental evidence demonstrating its impact on protein function have been reported. No submitters have cited clinical-significance assessments for this variant to ClinVar. Based on the evidence outlined above, the variant was classified as uncertain significance.